The following is an entry in ClinVar:

ClinVar aggregate classification (germline): Uncertain significance (1 of 4 stars; one submission).

Conditions:
Immunodeficiency-centromeric instability-facial anomalies syndrome 2 (ICF2). Identifiers: Orphanet 2268, MedGen C3279748, MONDO:0013553, OMIM 614069.

Allele frequency attached by ClinVar (database versions not stated): gnomAD exomes below 0.00001.

Submission:

Center for Genomics, Ann and Robert H. Lurie Children's Hospital of Chicago
Classification: Uncertain significance for Immunodeficiency-centromeric instability-facial anomalies syndrome 2. Last evaluated: 2021-12-08. Review status: criteria provided, single submitter. Criteria: ACMG Guidelines, 2015. Collection method: clinical testing. Allele origin: germline.
Comment: ZBTB24 NM_014797.2 exon 2 p.Ser249Arg (c.745A>C): This variant has not been reported in the literature and is not present in large control databases. Evolutionary conservation and computational predictive tools suggest that this variant may not impact the protein. In summary, data on this variant is insufficient for disease classification. Therefore, the clinical significance of this variant is uncertain.

NM_014797.3(ZBTB24):c.745A>C (p.Ser249Arg)

Gene: ZBTB24 (zinc finger and BTB domain containing 24; minus strand). Cytogenetic location: 6q21.
Variant type: single nucleotide variant.
Coding change: c.745A>C on transcript NM_014797.3 (MANE Select); coding-DNA position 745, A replaced by C.
Protein change: p.Ser249Arg; replaces serine 249 with arginine.
Molecular consequence: missense variant.
Genome position (GRCh38, 1-based): chr6:109,481,282, T>G on the plus strand (A>C on the coding strand, the complement: ZBTB24 is on the minus strand). VCF-style: chr6-109481282-T-G. GRCh37 (hg19) VCF-style: chr6-109802485-T-G.
Other names: c.745A>C, p.Ser249Arg (NM_001164313.2); short protein forms S249R.
Identifiers: ClinVar variation 992533 (VCV000992533.2), dbSNP rs1776405737, ClinGen allele CA365208396.